The following is an entry in ClinVar:

NM_032856.5(WDR73):c.1126G>T (p.Ala376Ser)

Gene: WDR73 (WD repeat domain 73; minus strand). Cytogenetic location: 15q25.2.
Variant type: single nucleotide variant.
Coding change: c.1126G>T on transcript NM_032856.5 (MANE Select); coding-DNA position 1126, G replaced by T.
Protein change: p.Ala376Ser; replaces alanine 376 with serine.
Molecular consequence: missense variant. On other transcripts: non-coding transcript variant (4).
Genome position (GRCh38, 1-based): chr15:84,643,481, C>A on the plus strand (G>T on the coding strand, the complement: WDR73 is on the minus strand). VCF-style: chr15-84643481-C-A. GRCh37 (hg19) VCF-style: chr15-85186712-C-A.
Other names: c.1126G>T (NM_032856.2); short protein forms A376S.
Identifiers: ClinVar variation 786630 (VCV000786630.13), dbSNP rs185538375, ClinGen allele CA7707137.

ClinVar aggregate classification (germline): Conflicting classifications of pathogenicity. Review status: criteria provided, conflicting classifications (1 of 4 stars). 3 submissions from 3 submitters: Uncertain significance (1); Likely benign (1). 1 of the submissions does not count toward it. Last evaluated 2025-10-27.

Conditions:
WDR73-related disorder. Also called: WDR73-related condition; WDR73-related disorders.
Inborn genetic diseases. Identifiers: MedGen C0950123, MeSH D030342.

Allele frequency attached by ClinVar (database versions not stated): gnomAD exomes 0.00024; ExAC 0.00050; 1000 Genomes Project 30x 0.00078; 1000 Genomes Project 0.00080; ESP Exome Variant Server 0.00131; TOPMed 0.00147.
gnomAD v4.1: 313 of 1,556,620 alleles (0.02%); highest among the groups gnomAD compares: African/African-American, 0.39%; no homozygotes.

Submissions (3):

Labcorp Genetics (formerly Invitae), Labcorp
Classification: Likely benign. Last evaluated: 2025-10-27. Review status: criteria provided, single submitter. Criteria: Invitae Variant Classification Sherloc (09022015). Collection method: clinical testing. Allele origin: germline.

Ambry Genetics
Classification: Uncertain significance for Inborn genetic diseases. Last evaluated: 2021-05-10. Review status: criteria provided, single submitter. Criteria: Ambry Variant Classification Scheme 2023. Collection method: clinical testing. Allele origin: germline.

PreventionGenetics, part of Exact Sciences
Classification: Likely benign for WDR73-related condition. Last evaluated: 2022-04-19. Review status: no assertion criteria provided. Collection method: clinical testing. Allele origin: germline. Not counted in ClinVar's aggregate classification.
Comment: This variant is classified as likely benign based on ACMG/AMP sequence variant interpretation guidelines (Richards et al. 2015 PMID: 25741868, with internal and published modifications).